The following is an entry in ClinVar:

ClinVar aggregate classification (germline): Benign/Likely benign. Review status: criteria provided, multiple submitters, no conflicts (2 of 4 stars). 2 submissions from 2 submitters: Benign (1); Likely benign (1). Last evaluated 2021-07-16.

Allele frequency attached by ClinVar (database versions not stated): ESP Exome Variant Server 0.00372; ExAC 0.00471; gnomAD exomes 0.00504 and 0.00597; 1000 Genomes Project 0.00140; 1000 Genomes Project 30x 0.00125; TOPMed 0.00535.
gnomAD v4.1: 9,068 of 1,551,296 alleles (0.58%); highest among the groups gnomAD compares: Non-Finnish European, 0.66%; 38 homozygotes.

Submissions (2):

Mayo Clinic Laboratories, Mayo Clinic
Classification: Benign. Last evaluated: 2021-07-16. Review status: criteria provided, single submitter. Criteria: ACMG Guidelines, 2015. Collection method: clinical testing. Allele origin: germline. Observed: 6 variant alleles.

GeneDx
Classification: Likely benign. Last evaluated: 2018-03-05. Review status: criteria provided, single submitter. Criteria: GeneDx Variant Classification (06012015). Collection method: clinical testing. Allele origin: germline. Affected: yes.
Comment: This variant is considered likely benign or benign based on one or more of the following criteria: it is a conservative change, it occurs at a poorly conserved position in the protein, it is predicted to be benign by multiple in silico algorithms, and/or has population frequency not consistent with disease.

NM_004817.4(TJP2):c.-26G>A

Gene: TJP2 (tight junction protein 2; plus strand). Cytogenetic location: 9q21.11.
Variant type: single nucleotide variant.
Coding change: c.-26G>A on transcript NM_004817.4 (MANE Select); 26 bases upstream of the start codon, G replaced by A.
Molecular consequence: 5 prime UTR variant. On other transcripts: intron variant (3).
Genome position (GRCh38, 1-based): chr9:69,174,347, G>A. VCF-style: chr9-69174347-G-A. GRCh37 (hg19) VCF-style: chr9-71789263-G-A.
Other names: c.-26G>A (LRG_1201t1, NM_001369872.1, NM_001369873.1 and 1 more transcripts); c.-10+22576G>A (NM_001170414.2, NM_001369870.1); c.-127-10740G>A (NM_001369871.1).
Identifiers: ClinVar variation 508600 (VCV000508600.2), dbSNP rs147729271, ClinGen allele CA5072841.